The following is an entry in ClinVar:

NM_014339.7(IL17RA):c.1118C>T (p.Pro373Leu)

Gene: IL17RA (interleukin 17 receptor A; plus strand). Cytogenetic location: 22q11.1.
Variant type: single nucleotide variant.
Coding change: c.1118C>T on transcript NM_014339.7 (MANE Select); coding-DNA position 1118, C replaced by T.
Protein change: p.Pro373Leu; replaces proline 373 with leucine.
Molecular consequence: missense variant.
Genome position (GRCh38, 1-based): chr22:17,108,337, C>T. VCF-style: chr22-17108337-C-T. GRCh37 (hg19) VCF-style: chr22-17589227-C-T.
Other names: c.1016C>T, p.Pro339Leu (NM_001289905.2); short protein forms P339L, P373L.
Identifiers: ClinVar variation 659270 (VCV000659270.6), dbSNP rs768987583, ClinGen allele CA10086678.

ClinVar aggregate classification (germline): Uncertain significance (1 of 4 stars; one submission).

Conditions:
Immunodeficiency 51 (IMD51). Also called: CANDIDIASIS, FAMILIAL, 5. Identifiers: Orphanet 1334, MedGen C4310803, MONDO:0013500, OMIM 613953.

Allele frequency attached by ClinVar (database versions not stated): gnomAD 0.00006; TOPMed 0.00016.
gnomAD v4.1: 41 of 1,614,134 alleles (0.0025%); highest among the groups gnomAD compares: East Asian, 0.071%; no homozygotes.

Submission:

Labcorp Genetics (formerly Invitae), Labcorp
Classification: Uncertain significance for Immunodeficiency 51. Last evaluated: 2024-11-27. Review status: criteria provided, single submitter. Criteria: Invitae Variant Classification Sherloc (09022015). Collection method: clinical testing. Allele origin: germline.
Comment: This sequence change replaces proline, which is neutral and non-polar, with leucine, which is neutral and non-polar, at codon 373 of the IL17RA protein (p.Pro373Leu). This variant is present in population databases (rs768987583, gnomAD 0.2%). This variant has not been reported in the literature in individuals affected with IL17RA-related conditions. ClinVar contains an entry for this variant (Variation ID: 659270). Invitae Evidence Modeling of protein sequence and biophysical properties (such as structural, functional, and spatial information, amino acid conservation, physicochemical variation, residue mobility, and thermodynamic stability) indicates that this missense variant is expected to disrupt IL17RA protein function with a positive predictive value of 80%. In summary, the available evidence is currently insufficient to determine the role of this variant in disease. Therefore, it has been classified as a Variant of Uncertain Significance.